The following is an entry in ClinVar:

ClinVar aggregate classification (germline): Conflicting classifications of pathogenicity. Review status: criteria provided, conflicting classifications (1 of 4 stars). 3 submissions from 3 submitters: Uncertain significance (1); Likely benign (2). Last evaluated 2025-02-27.

Conditions:
Cardiovascular phenotype. Identifiers: MedGen CN230736.
Autosomal recessive limb-girdle muscular dystrophy type 2J (LGMDR10). Also called: MUSCULAR DYSTROPHY, LIMB-GIRDLE, AUTOSOMAL RECESSIVE 10; Limb-girdle muscular dystrophy, type 2J. Identifiers: Orphanet 140922, MedGen C1837342, MONDO:0012127, OMIM 608807.
Dilated cardiomyopathy 1G (CMD1G). Identifiers: Orphanet 154, MedGen C1858763, MONDO:0011400, OMIM 604145.

gnomAD v4.1: 2 of 1,613,774 alleles (0.00012%); highest among the groups gnomAD compares: African/African-American, 0.0027%; no homozygotes.

Submissions (3):

Labcorp Genetics (formerly Invitae), Labcorp
Classification: Likely benign for Dilated cardiomyopathy 1G; Autosomal recessive limb-girdle muscular dystrophy type 2J. Last evaluated: 2025-02-27. Review status: criteria provided, single submitter. Criteria: Invitae Variant Classification Sherloc (09022015). Collection method: clinical testing. Allele origin: germline.

Ambry Genetics
Classification: Likely benign for Cardiovascular phenotype. Last evaluated: 2020-05-12. Review status: criteria provided, single submitter. Criteria: Ambry Variant Classification Scheme 2023. Collection method: clinical testing. Allele origin: germline.

GeneDx
Classification: Uncertain significance. Last evaluated: 2019-05-15. Review status: criteria provided, single submitter. Criteria: GeneDx Variant Classification Process June 2021. Collection method: clinical testing. Allele origin: germline. Affected: yes.
Comment: Has not been previously published as pathogenic or benign to our knowledge; In silico analysis, which includes splice predictors and evolutionary conservation, suggests this variant may impact gene splicing; however, in the absence of RNA/functional studies, the actual effect of this sequence change is unknown; Located in the A-band region of titin, where the majority of truncating pathogenic variants associated with DCM have been reported (Herman et al., 2012)

NM_001267550.2(TTN):c.93168A>T (p.Arg31056=)

Genes: TTN (titin; minus strand), TTN-AS1 (TTN antisense RNA 1; plus strand). Cytogenetic location: 2q31.2.
Variant type: single nucleotide variant.
Coding change: c.93168A>T on transcript NM_001267550.2 (MANE Select); coding-DNA position 93168, A replaced by T.
Protein change: p.Arg31056=; no amino-acid change (arginine 31056 retained).
Molecular consequence: synonymous variant.
Genome position (GRCh38, 1-based): chr2:178,548,458, T>A on the plus strand (A>T on the coding strand, the complement: TTN is on the minus strand). VCF-style: chr2-178548458-T-A. GRCh37 (hg19) VCF-style: chr2-179413185-T-A.
Other names: c.88245A>T, p.Arg29415= (NM_001256850.1); c.65973A>T, p.Arg21991= (NM_003319.4); c.85464A>T, p.Arg28488= (NM_133378.4); c.66348A>T, p.Arg22116= (NM_133432.3); c.66549A>T, p.Arg22183= (NM_133437.4).
Identifiers: ClinVar variation 1305939 (VCV001305939.7), dbSNP rs1202181464, ClinGen allele CA430243649.